The following is an entry in ClinVar:

ClinVar aggregate classification (germline): Uncertain significance (1 of 4 stars; one submission).

Submission:

Greenwood Genetic Center Diagnostic Laboratories, Greenwood Genetic Center
Classification: Uncertain significance. Last evaluated: 2024-12-17. Review status: criteria provided, single submitter. Criteria: ACMG Guidelines, 2015. Collection method: clinical testing. Allele origin: germline. Affected: yes.
Comment: PM2, PP2, PP3

NM_015100.4(POGZ):c.3242T>A (p.Leu1081Gln)

Gene: POGZ (pogo transposable element derived with ZNF domain; minus strand). Cytogenetic location: 1q21.3.
Variant type: single nucleotide variant.
Coding change: c.3242T>A on transcript NM_015100.4 (MANE Select); coding-DNA position 3242, T replaced by A.
Protein change: p.Leu1081Gln; replaces leucine 1081 with glutamine.
Molecular consequence: missense variant.
Genome position (GRCh38, 1-based): chr1:151,405,793, A>T on the plus strand (T>A on the coding strand, the complement: POGZ is on the minus strand). VCF-style: chr1-151405793-A-T. GRCh37 (hg19) VCF-style: chr1-151378269-A-T.
Other names: c.3215T>A, p.Leu1072Gln (NM_001194937.2); c.3056T>A, p.Leu1019Gln (NM_001194938.2); c.3263T>A, p.Leu1088Gln (NM_001410860.1); c.2957T>A, p.Leu986Gln (NM_145796.4); c.3083T>A, p.Leu1028Gln (NM_207171.2); short protein forms L1019Q, L1028Q, L1072Q, L1081Q, L1088Q, L986Q.
Identifiers: ClinVar variation 3765826 (VCV003765826.1).
Genomic context (GRCh38, chr1:151,405,793, plus strand): 5'-GCATTCTCTGCTACATCCTTAGGTAGGGTGTGGGCCACAGCTCGCCGGGCATGGGGAGTC[A>T]GGTGGTGCCGCAGCATGAAACGCACAGCCCACTCATAGGAGATCTTAAACCCCCCTTCCA-3'
Protein context (NP_055915.2, residues 1071-1091): WAVRFMLRHH[Leu1081Gln]TPHARRAVAH